The following is an entry in ClinVar:

ClinVar aggregate classification (germline): Uncertain significance (1 of 4 stars; one submission).

Conditions:
Adenylosuccinate lyase deficiency (ADSLD). Also called: ADSL DEFICIENCY. Identifiers: Orphanet 46, MedGen C0268126, MONDO:0007068, OMIM 103050.

Submission:

Labcorp Genetics (formerly Invitae), Labcorp
Classification: Uncertain significance for Adenylosuccinate lyase deficiency. Last evaluated: 2022-05-27. Review status: criteria provided, single submitter. Criteria: Invitae Variant Classification Sherloc (09022015). Collection method: clinical testing. Allele origin: germline.
Comment: In summary, the available evidence is currently insufficient to determine the role of this variant in disease. Therefore, it has been classified as a Variant of Uncertain Significance. Advanced modeling of protein sequence and biophysical properties (such as structural, functional, and spatial information, amino acid conservation, physicochemical variation, residue mobility, and thermodynamic stability) performed at Invitae indicates that this missense variant is expected to disrupt ADSL protein function. This sequence change replaces alanine, which is neutral and non-polar, with serine, which is neutral and polar, at codon 102 of the ADSL protein (p.Ala102Ser). This variant is not present in population databases (gnomAD no frequency). This variant has not been reported in the literature in individuals affected with ADSL-related conditions.

NM_000026.4(ADSL):c.304G>T (p.Ala102Ser)

Gene: ADSL (adenylosuccinate lyase; plus strand). Cytogenetic location: 22q13.1.
Variant type: single nucleotide variant.
Coding change: c.304G>T on transcript NM_000026.4 (MANE Select); coding-DNA position 304, G replaced by T.
Protein change: p.Ala102Ser; replaces alanine 102 with serine.
Molecular consequence: missense variant. On other transcripts: non-coding transcript variant (1).
Genome position (GRCh38, 1-based): chr22:40,349,982, G>T. VCF-style: chr22-40349982-G-T. GRCh37 (hg19) VCF-style: chr22-40745986-G-T.
Other names: c.304G>T, p.Ala102Ser (NM_001123378.3, NM_001363840.3, NM_001410812.1 and 2 more transcripts); c.112G>T, p.Ala38Ser (NM_001317923.2); short protein forms A38S, A102S.
Identifiers: ClinVar variation 1999344 (VCV001999344.4), dbSNP rs2518087134, ClinGen allele CA411635172.